The following is an entry in ClinVar:

ClinVar aggregate classification (germline): Likely pathogenic (1 of 4 stars; one submission).

Conditions:
Fanconi anemia complementation group A (FANCA). Also called: Fanconi anemia, group A; FANCA-Related Fanconi Anemia. Identifiers: Orphanet 84, MedGen C3469521, MONDO:0009215, OMIM 227650.

Submission:

Myriad Genetics, Inc.
Classification: Likely pathogenic for Fanconi anemia complementation group A. Last evaluated: 2019-01-30. Review status: criteria provided, single submitter. Criteria: Myriad Women's Health Autosomal Recessive and X-Linked Classification Criteria (2019). Collection method: clinical testing. Allele origin: unknown.
Comment: NM_000135.2(FANCA):c.3753C>A(C1251*) is expected to be pathogenic in the context of Fanconi anemia complementation group A. This variant is predicted to lead to an abnormal or absent protein product due to the creation of a premature termination codon in FANCA, a gene where loss-of-function variants are known to be pathogenic. Please note: this variant was assessed in the context of healthy population screening.

NM_000135.4(FANCA):c.3753C>A (p.Cys1251Ter)

Gene: FANCA (FA complementation group A; minus strand). Cytogenetic location: 16q24.3.
Variant type: single nucleotide variant.
Coding change: c.3753C>A on transcript NM_000135.4 (MANE Select); coding-DNA position 3753, C replaced by A.
Protein change: p.Cys1251Ter; replaces cysteine 1251 with a stop codon.
Molecular consequence: nonsense.
Genome position (GRCh38, 1-based): chr16:89,742,812, G>T on the plus strand (C>A on the coding strand, the complement: FANCA is on the minus strand). VCF-style: chr16-89742812-G-T. GRCh37 (hg19) VCF-style: chr16-89809220-G-T.
Other names: c.3753C>A, p.Cys1251Ter (NM_001286167.3); short protein forms C1251*.
Identifiers: ClinVar variation 983702 (VCV000983702.3), dbSNP rs752126515, ClinGen allele CA397485298.